The following is an entry in ClinVar:

ClinVar aggregate classification (germline): Uncertain significance (1 of 4 stars; one submission).

Conditions:
Rhabdoid tumor predisposition syndrome 2 (RTPS2). Identifiers: Orphanet 231108, Orphanet 69077, MedGen C2750074, MONDO:0013224, OMIM 613325.

gnomAD v4.1: 2 of 1,613,458 alleles (0.00012%); highest among the groups gnomAD compares: Non-Finnish European, 0.00017%; no homozygotes.

Submission:

Labcorp Genetics (formerly Invitae), Labcorp
Classification: Uncertain significance for Rhabdoid tumor predisposition syndrome 2. Last evaluated: 2023-08-16. Review status: criteria provided, single submitter. Criteria: Invitae Variant Classification Sherloc (09022015). Collection method: clinical testing. Allele origin: germline.
Comment: This sequence change falls in intron 7 of the SMARCA4 gene. It does not directly change the encoded amino acid sequence of the SMARCA4 protein. In summary, the available evidence is currently insufficient to determine the role of this variant in disease. Therefore, it has been classified as a Variant of Uncertain Significance. Algorithms developed to predict the effect of sequence changes on RNA splicing suggest that this variant may create or strengthen a splice site. This variant has not been reported in the literature in individuals affected with SMARCA4-related conditions. This variant is not present in population databases (gnomAD no frequency).

NM_003072.5(SMARCA4):c.1246-6C>G

Gene: SMARCA4 (SWI/SNF related BAF chromatin remodeling complex subunit ATPase 4; plus strand). Cytogenetic location: 19p13.2.
Variant type: single nucleotide variant.
Coding change: c.1246-6C>G on transcript NM_003072.5 (MANE Select); 6 bases into the intron before coding-DNA position 1246, C replaced by G.
Molecular consequence: intron variant.
Genome position (GRCh38, 1-based): chr19:10,991,144, C>G. VCF-style: chr19-10991144-C-G. GRCh37 (hg19) VCF-style: chr19-11101820-C-G.
Other names: c.1246-6C>G (NM_001128844.3, NM_001128849.3, NM_001128847.4 and 6 more transcripts).
Identifiers: ClinVar variation 2752852 (VCV002752852.3), dbSNP rs916108093, ClinGen allele CA2582456020.